The following is an entry in ClinVar:

ClinVar aggregate classification (germline): Uncertain significance (1 of 4 stars; one submission).

Submission:

CeGaT Center for Human Genetics Tuebingen
Classification: Uncertain significance. Last evaluated: 2024-08-01. Review status: criteria provided, single submitter. Criteria: CeGaT Center For Human Genetics Tuebingen Variant Classification Criteria Version 2. Collection method: clinical testing. Allele origin: germline. Affected: yes. Observed: 1 variant allele.
Comment: ARID1B: PM2

NM_001374828.1(ARID1B):c.6082T>G (p.Phe2028Val)

Gene: ARID1B (AT-rich interaction domain 1B; plus strand). Cytogenetic location: 6q25.3.
Variant type: single nucleotide variant.
Coding change: c.6082T>G on transcript NM_001374828.1 (MANE Select); coding-DNA position 6082, T replaced by G.
Protein change: p.Phe2028Val; replaces phenylalanine 2028 with valine.
Molecular consequence: missense variant.
Genome position (GRCh38, 1-based): chr6:157,206,854, T>G. VCF-style: chr6-157206854-T-G. GRCh37 (hg19) VCF-style: chr6-157527988-T-G.
Other names: c.3583T>G, p.Phe1195Val (NM_001363725.2); c.5962T>G, p.Phe1988Val (NM_001371656.1, NM_001374820.1); c.5923T>G, p.Phe1975Val (NM_017519.3); short protein forms F1195V, F1975V, F1988V, F2028V.
Identifiers: ClinVar variation 3341874 (VCV003341874.16).